The following is an entry in ClinVar:

ClinVar aggregate classification (germline): Benign/Likely benign. Review status: criteria provided, multiple submitters, no conflicts (2 of 4 stars). 5 submissions from 5 submitters: Benign (2); Likely benign (2). 1 of the submissions does not count toward it. Last evaluated 2025-02-25.

Conditions:
DHX37-related disorder. Also called: DHX37-Related Disorders; DHX37-related condition.

Allele frequency attached by ClinVar (database versions not stated): gnomAD exomes 0.00010 and 0.00045; gnomAD 0.00022 and 0.00024; TOPMed 0.00028; ExAC 0.00076; 1000 Genomes Project 30x 0.00109; 1000 Genomes Project 0.00120.
gnomAD v4.1: 200 of 1,359,286 alleles (0.015%); highest among the groups gnomAD compares: East Asian, 0.41%; no homozygotes.

Submissions (5):

Labcorp Genetics (formerly Invitae), Labcorp
Classification: Benign. Last evaluated: 2025-02-25. Review status: criteria provided, single submitter. Criteria: Invitae Variant Classification Sherloc (09022015). Collection method: clinical testing. Allele origin: germline.

Blueprint Genetics
Classification: Likely benign. Last evaluated: 2024-09-23. Review status: criteria provided, single submitter. Criteria: ACMG Guidelines, 2015. Collection method: clinical testing. Allele origin: germline.

CeGaT Center for Human Genetics Tuebingen
Classification: Likely benign. Last evaluated: 2022-10-01. Review status: criteria provided, single submitter. Criteria: CeGaT Center For Human Genetics Tuebingen Variant Classification Criteria Version 2. Collection method: clinical testing. Allele origin: germline. Affected: yes. Observed: 1 variant allele.
Comment: DHX37: BP4, BP7

Breakthrough Genomics
Classification: Benign. Review status: criteria provided, single submitter. Criteria: ACMG Guidelines, 2015. Collection method: not provided. Allele origin: germline. Inheritance: Autosomal recessive inheritance. Affected: yes.

PreventionGenetics, part of Exact Sciences
Classification: Likely benign for DHX37-related condition. Last evaluated: 2020-01-20. Review status: no assertion criteria provided. Collection method: clinical testing. Allele origin: germline. Not counted in ClinVar's aggregate classification.
Comment: This variant is classified as likely benign based on ACMG/AMP sequence variant interpretation guidelines (Richards et al. 2015 PMID: 25741868, with internal and published modifications).

NM_032656.4(DHX37):c.42G>A (p.Gln14=)

Genes: DHX37 (DEAH-box helicase 37; minus strand), LOC130009166 (ATAC-STARR-seq lymphoblastoid silent region 5073; plus strand). Cytogenetic location: 12q24.31.
Variant type: single nucleotide variant.
Coding change: c.42G>A on transcript NM_032656.4 (MANE Select); coding-DNA position 42, G replaced by A.
Protein change: p.Gln14=; no amino-acid change (glutamine 14 retained).
Molecular consequence: synonymous variant.
Genome position (GRCh38, 1-based): chr12:124,988,981, C>T on the plus strand (G>A on the coding strand, the complement: DHX37 is on the minus strand). VCF-style: chr12-124988981-C-T. GRCh37 (hg19) VCF-style: chr12-125473527-C-T.
Identifiers: ClinVar variation 716810 (VCV000716810.35), dbSNP rs191581032, ClinGen allele CA6872577.